The following is an entry in ClinVar:

NM_024422.6(DSC2):c.1438A>C (p.Met480Leu)

Gene: DSC2 (desmocollin 2; minus strand). Cytogenetic location: 18q12.1.
Variant type: single nucleotide variant.
Coding change: c.1438A>C on transcript NM_024422.6 (MANE Select); coding-DNA position 1438, A replaced by C.
Protein change: p.Met480Leu; replaces methionine 480 with leucine.
Molecular consequence: missense variant.
Genome position (GRCh38, 1-based): chr18:31,080,178, T>G on the plus strand (A>C on the coding strand, the complement: DSC2 is on the minus strand). VCF-style: chr18-31080178-T-G. GRCh37 (hg19) VCF-style: chr18-28660144-T-G.
Other names: c.1438A>C, p.Met480Leu (NM_004949.5); short protein forms M480L.
Identifiers: ClinVar variation 644465 (VCV000644465.14), dbSNP rs370616107, ClinGen allele CA402108507.

ClinVar aggregate classification (germline): Uncertain significance. Review status: criteria provided, multiple submitters, no conflicts (2 of 4 stars). 4 submissions from 4 submitters: Uncertain significance (4). Last evaluated 2023-12-01.

Conditions:
Cardiomyopathy (CMYO). Also called: Cardiomyopathies. Identifiers: Orphanet 167848, MedGen C0878544, MONDO:0004994, HP:0001638. Inheritance: Various modes of inheritance.
Arrhythmogenic right ventricular dysplasia 11. Also called: Arrhythmogenic right ventricular dysplasia 11 with mild palmoplantar keratoderma and woolly hair; Arrhythmogenic Right Ventricular Dysplasia/Cardiomyopathy11; ARRHYTHMOGENIC RIGHT VENTRICULAR DYSPLASIA, FAMILIAL, 11. Identifiers: MedGen C1864850, MONDO:0012506, OMIM 610476.
Familial isolated arrhythmogenic right ventricular dysplasia. Identifiers: Orphanet 217656, MedGen C4274968, MONDO:0016342.
Cardiovascular phenotype. Identifiers: MedGen CN230736.

Allele frequency attached by ClinVar (database versions not stated): gnomAD 0.00001.

Submissions (4):

All of Us Research Program, National Institutes of Health
Classification: Uncertain significance for Familial isolated arrhythmogenic right ventricular dysplasia. Last evaluated: 2023-12-01. Review status: criteria provided, single submitter. Criteria: ACMG Guidelines, 2015. Collection method: clinical testing. Allele origin: germline. Inheritance: Autosomal dominant inheritance. Observed: 1 variant allele, 1 heterozygote.
Comment: Variant of Uncertain Significance due to insufficient evidence: This missense variant is located in the extracellular cadherin domain 4 of the DSC2 protein. Computational prediction tools and conservation analyses suggest that this variant may not impact the protein function. Computational splicing tools suggest that this variant may not impact RNA splicing. To our knowledge, functional assays have not been performed for this variant nor has this variant been reported in individuals affected with cardiovascular disorders in the literature. This variant has been identified in 1/30976 chromosomes in the general population by the Genome Aggregation Database (gnomAD). Available evidence is insufficient to determine the pathogenicity of this variant conclusively.

This study involves interpretation of variants in research participants for the purpose of population health screening. Participant phenotype was not available at the time of variant classification. Additional details can be found in publication PMID: 35346344, PMCID: PMC8962531

Labcorp Genetics (formerly Invitae), Labcorp
Classification: Uncertain significance for Arrhythmogenic right ventricular dysplasia 11. Last evaluated: 2022-11-01. Review status: criteria provided, single submitter. Criteria: Invitae Variant Classification Sherloc (09022015). Collection method: clinical testing. Allele origin: germline.
Comment: Advanced modeling of protein sequence and biophysical properties (such as structural, functional, and spatial information, amino acid conservation, physicochemical variation, residue mobility, and thermodynamic stability) performed at Invitae indicates that this missense variant is not expected to disrupt DSC2 protein function. ClinVar contains an entry for this variant (Variation ID: 644465). This variant has not been reported in the literature in individuals affected with DSC2-related conditions. This variant is present in population databases (no rsID available, gnomAD 0.01%). This sequence change replaces methionine, which is neutral and non-polar, with leucine, which is neutral and non-polar, at codon 480 of the DSC2 protein (p.Met480Leu). In summary, the available evidence is currently insufficient to determine the role of this variant in disease. Therefore, it has been classified as a Variant of Uncertain Significance.

Ambry Genetics
Classification: Uncertain significance for Cardiovascular phenotype. Last evaluated: 2022-03-03. Review status: criteria provided, single submitter. Criteria: Ambry Variant Classification Scheme 2023. Collection method: clinical testing. Allele origin: germline.
Comment: The p.M480L variant (also known as c.1438A>C), located in coding exon 10 of the DSC2 gene, results from an A to C substitution at nucleotide position 1438. The methionine at codon 480 is replaced by leucine, an amino acid with highly similar properties. This amino acid position is conserved. In addition, this alteration is predicted to be tolerated by in silico analysis. Since supporting evidence is limited at this time, the clinical significance of this alteration remains unclear.

Color Diagnostics, LLC DBA Color Health
Classification: Uncertain significance for Cardiomyopathy. Last evaluated: 2018-11-26. Review status: criteria provided, single submitter. Criteria: ACMG Guidelines, 2015. Collection method: clinical testing. Allele origin: germline.
Comment: Variant of Uncertain Significance due to insufficient evidence: This missense variant is located in the extracellular cadherin domain 4 of the DSC2 protein. Computational prediction tools and conservation analyses suggest that this variant may not impact the protein function. Computational splicing tools suggest that this variant may not impact RNA splicing. To our knowledge, functional assays have not been performed for this variant nor has this variant been reported in individuals affected with cardiovascular disorders in the literature. This variant has been identified in 1/30976 chromosomes in the general population by the Genome Aggregation Database (gnomAD). Available evidence is insufficient to determine the pathogenicity of this variant conclusively.